The following is an entry in ClinVar:

ClinVar aggregate classification (germline): Uncertain significance (1 of 4 stars; one submission).

gnomAD v4.1: 31 of 1,612,492 alleles (0.0019%); highest among the groups gnomAD compares: East Asian, 0.018%; no homozygotes.

Submission:

Labcorp Genetics (formerly Invitae), Labcorp
Classification: Uncertain significance. Last evaluated: 2022-07-19. Review status: criteria provided, single submitter. Criteria: Invitae Variant Classification Sherloc (09022015). Collection method: clinical testing. Allele origin: germline.
Comment: This sequence change replaces arginine, which is basic and polar, with histidine, which is basic and polar, at codon 873 of the TONSL protein (p.Arg873His). This variant is present in population databases (no rsID available, gnomAD 0.004%). This variant has not been reported in the literature in individuals affected with TONSL-related conditions. ClinVar contains an entry for this variant (Variation ID: 1441893). Algorithms developed to predict the effect of missense changes on protein structure and function are either unavailable or do not agree on the potential impact of this missense change (SIFT: "Deleterious"; PolyPhen-2: "Benign"; Align-GVGD: "Class C25"). In summary, the available evidence is currently insufficient to determine the role of this variant in disease. Therefore, it has been classified as a Variant of Uncertain Significance.

NM_013432.5(TONSL):c.2618G>A (p.Arg873His)

Genes: TONSL (tonsoku like, DNA repair protein; minus strand), TONSL-AS1 (TONSL antisense RNA 1; plus strand). Cytogenetic location: 8q24.3.
Variant type: single nucleotide variant.
Coding change: c.2618G>A on transcript NM_013432.5 (MANE Select); coding-DNA position 2618, G replaced by A.
Protein change: p.Arg873His; replaces arginine 873 with histidine.
Molecular consequence: missense variant.
Genome position (GRCh38, 1-based): chr8:144,435,815, C>T on the plus strand (G>A on the coding strand, the complement: TONSL is on the minus strand). VCF-style: chr8-144435815-C-T. GRCh37 (hg19) VCF-style: chr8-145661198-C-T.
Other names: short protein forms R873H.
Identifiers: ClinVar variation 1441893 (VCV001441893.3), dbSNP rs982377750, ClinGen allele CA187667108.